The following is an entry in ClinVar:

ClinVar aggregate classification (germline): Uncertain significance (1 of 4 stars; one submission).

Submission:

Labcorp Genetics (formerly Invitae), Labcorp
Classification: Uncertain significance. Last evaluated: 2021-09-17. Review status: criteria provided, single submitter. Criteria: Invitae Variant Classification Sherloc (09022015). Collection method: clinical testing. Allele origin: germline.
Comment: This sequence change replaces isoleucine with methionine at codon 613 of the CCDC88A protein (p.Ile613Met). The isoleucine residue is weakly conserved and there is a small physicochemical difference between isoleucine and methionine. This variant is not present in population databases (ExAC no frequency). This variant has not been reported in the literature in individuals affected with CCDC88A-related conditions. Algorithms developed to predict the effect of missense changes on protein structure and function output the following: SIFT: "Tolerated"; PolyPhen-2: "Benign"; Align-GVGD: "Class C0". The methionine amino acid residue is found in multiple mammalian species, which suggests that this missense change does not adversely affect protein function. In summary, the available evidence is currently insufficient to determine the role of this variant in disease. Therefore, it has been classified as a Variant of Uncertain Significance.

NM_001365480.1(CCDC88A):c.1839T>G (p.Ile613Met)

Gene: CCDC88A (coiled-coil domain containing 88A; minus strand). Cytogenetic location: 2p16.1.
Variant type: single nucleotide variant.
Coding change: c.1839T>G on transcript NM_001365480.1 (MANE Select); coding-DNA position 1839, T replaced by G.
Protein change: p.Ile613Met; replaces isoleucine 613 with methionine.
Molecular consequence: missense variant.
Genome position (GRCh38, 1-based): chr2:55,334,982, A>C on the plus strand (T>G on the coding strand, the complement: CCDC88A is on the minus strand). VCF-style: chr2-55334982-A-C. GRCh37 (hg19) VCF-style: chr2-55562118-A-C.
Other names: c.1839T>G, p.Ile613Met (NM_001135597.2, NM_001254943.2, NM_018084.5); short protein forms I613M.
Identifiers: ClinVar variation 1505923 (VCV001505923.3), dbSNP rs1207854321, ClinGen allele CA346901832.